The following is an entry in ClinVar:

ClinVar aggregate classification (germline): Conflicting classifications of pathogenicity. Review status: criteria provided, conflicting classifications (1 of 4 stars). 6 submissions from 6 submitters: Uncertain significance (1); Likely benign (5). Last evaluated 2025-11-03.

Conditions:
Hajdu-Cheney syndrome (HJCYS). Also called: ACROOSTEOLYSIS WITH OSTEOPOROSIS AND CHANGES IN SKULL AND MANDIBLE; SERPENTINE FIBULA-POLYCYSTIC KIDNEY SYNDROME; Acroosteolysis dominant type. Identifiers: Orphanet 955, MedGen C0917715, MONDO:0007057, OMIM 102500.
NOTCH2-related disorder. Also called: NOTCH2-related condition.

Allele frequency attached by ClinVar (database versions not stated): gnomAD 0.00001; TOPMed 0.00002; gnomAD exomes 0.00003 and 0.00005; ExAC 0.00007.
gnomAD v4.1: 50 of 1,613,448 alleles (0.0031%); highest among the groups gnomAD compares: Middle Eastern, 0.033%; no homozygotes.

Submissions (6):

Women's Health and Genetics/Laboratory Corporation of America, LabCorp
Classification: Likely benign. Last evaluated: 2025-11-03. Review status: criteria provided, single submitter. Criteria: LabCorp Variant Classification Summary - May 2015. Collection method: clinical testing. Allele origin: germline.

Labcorp Genetics (formerly Invitae), Labcorp
Classification: Likely benign for Hajdu-Cheney syndrome. Last evaluated: 2025-08-04. Review status: criteria provided, single submitter. Criteria: Invitae Variant Classification Sherloc (09022015). Collection method: clinical testing. Allele origin: germline.

PreventionGenetics, part of Exact Sciences
Classification: Likely benign for NOTCH2-related condition. Last evaluated: 2025-08-04. Review status: criteria provided, single submitter. Criteria: ACMG Guidelines, 2015. Collection method: clinical testing. Allele origin: germline.
Comment: This variant is classified as likely benign based on ACMG/AMP sequence variant interpretation guidelines (Richards et al. 2015 PMID: 25741868, with internal and published modifications).

CeGaT Center for Human Genetics Tuebingen
Classification: Likely benign. Last evaluated: 2025-08-01. Review status: criteria provided, single submitter. Criteria: CeGaT Center For Human Genetics Tuebingen Variant Classification Criteria Version 2. Collection method: clinical testing. Allele origin: germline. Affected: yes. Observed: 1 variant allele.
Comment: NOTCH2: BP4, BP7

Blueprint Genetics
Classification: Likely benign. Last evaluated: 2024-05-27. Review status: criteria provided, single submitter. Criteria: ACMG Guidelines, 2015. Collection method: clinical testing. Allele origin: germline.

Eurofins Ntd Llc (ga)
Classification: Uncertain significance. Last evaluated: 2018-06-21. Review status: criteria provided, single submitter. Criteria: EGL ClinVar v180209 classification definitions. Collection method: clinical testing. Allele origin: germline. Observed: 1 variant allele, 1 heterozygote.

NM_024408.4(NOTCH2):c.6270T>G (p.Ser2090=)

Gene: NOTCH2 (notch receptor 2; minus strand). Cytogenetic location: 1p12.
Variant type: single nucleotide variant.
Coding change: c.6270T>G on transcript NM_024408.4 (MANE Select); coding-DNA position 6270, T replaced by G.
Protein change: p.Ser2090=; no amino-acid change (serine 2090 retained).
Molecular consequence: synonymous variant.
Genome position (GRCh38, 1-based): chr1:119,916,452, A>C on the plus strand (T>G on the coding strand, the complement: NOTCH2 is on the minus strand). VCF-style: chr1-119916452-A-C. GRCh37 (hg19) VCF-style: chr1-120459075-A-C.
Other names: c.6270T>G (NM_024408.3).
Identifiers: ClinVar variation 597758 (VCV000597758.23), dbSNP rs747743815, ClinGen allele CA1039452.